The following is an entry in ClinVar:

NM_001184.4(ATR):c.4034A>T (p.Asp1345Val)

Gene: ATR (ATR checkpoint kinase; minus strand). Cytogenetic location: 3q23.
Variant type: single nucleotide variant.
Coding change: c.4034A>T on transcript NM_001184.4 (MANE Select); coding-DNA position 4034, A replaced by T.
Protein change: p.Asp1345Val; replaces aspartic acid 1345 with valine.
Molecular consequence: missense variant.
Genome position (GRCh38, 1-based): chr3:142,524,111, T>A on the plus strand (A>T on the coding strand, the complement: ATR is on the minus strand). VCF-style: chr3-142524111-T-A. GRCh37 (hg19) VCF-style: chr3-142242953-T-A.
Other names: c.3842A>T, p.Asp1281Val (NM_001354579.2); short protein forms D1345V, D1281V.
Identifiers: ClinVar variation 965777 (VCV000965777.9), dbSNP rs2033271153, ClinGen allele CA354802576.

ClinVar aggregate classification (germline): Uncertain significance (1 of 4 stars; one submission).

Allele frequency attached by ClinVar (database versions not stated): gnomAD exomes below 0.00001.
gnomAD v4.1: 5 of 1,614,074 alleles (0.00031%); highest among the groups gnomAD compares: Non-Finnish European, 0.00042%; no homozygotes.

Submission:

Labcorp Genetics (formerly Invitae), Labcorp
Classification: Uncertain significance. Last evaluated: 2022-09-01. Review status: criteria provided, single submitter. Criteria: Invitae Variant Classification Sherloc (09022015). Collection method: clinical testing. Allele origin: germline.
Comment: ClinVar contains an entry for this variant (Variation ID: 965777). This variant has not been reported in the literature in individuals affected with ATR-related conditions. This variant is not present in population databases (gnomAD no frequency). This sequence change replaces aspartic acid, which is acidic and polar, with valine, which is neutral and non-polar, at codon 1345 of the ATR protein (p.Asp1345Val). Algorithms developed to predict the effect of missense changes on protein structure and function are either unavailable or do not agree on the potential impact of this missense change (SIFT: "Tolerated"; PolyPhen-2: "Probably Damaging"; Align-GVGD: "Class C0"). In summary, the available evidence is currently insufficient to determine the role of this variant in disease. Therefore, it has been classified as a Variant of Uncertain Significance.